The following is an entry in ClinVar:

ClinVar aggregate classification (germline): Uncertain significance (1 of 4 stars; one submission).

Conditions:
Developmental and epileptic encephalopathy 94 (DEE94). Also called: CHD2-Related Neurodevelopmental Disorders; Epileptic encephalopathy, childhood-onset. Identifiers: Orphanet 1942, Orphanet 2382, MedGen C3809278, MONDO:0014150, OMIM 615369.

Submission:

Labcorp Genetics (formerly Invitae), Labcorp
Classification: Uncertain significance for Epileptic encephalopathy, childhood-onset. Last evaluated: 2019-11-18. Review status: criteria provided, single submitter. Criteria: Invitae Variant Classification Sherloc (09022015). Collection method: clinical testing. Allele origin: germline.
Comment: This sequence change replaces phenylalanine with cysteine at codon 813 of the CHD2 protein (p.Phe813Cys). The phenylalanine residue is highly conserved and there is a large physicochemical difference between phenylalanine and cysteine. This variant is not present in population databases (ExAC no frequency). This variant has not been reported in the literature in individuals with CHD2-related conditions. Algorithms developed to predict the effect of missense changes on protein structure and function (SIFT, PolyPhen-2, Align-GVGD) all suggest that this variant is likely to be disruptive, but these predictions have not been confirmed by published functional studies and their clinical significance is uncertain. In summary, the available evidence is currently insufficient to determine the role of this variant in disease. Therefore, it has been classified as a Variant of Uncertain Significance.

NM_001271.4(CHD2):c.2438T>G (p.Phe813Cys)

Gene: CHD2 (chromodomain helicase DNA binding protein 2; plus strand). Cytogenetic location: 15q26.1.
Variant type: single nucleotide variant.
Coding change: c.2438T>G on transcript NM_001271.4 (MANE Select); coding-DNA position 2438, T replaced by G.
Protein change: p.Phe813Cys; replaces phenylalanine 813 with cysteine.
Molecular consequence: missense variant.
Genome position (GRCh38, 1-based): chr15:92,972,350, T>G. VCF-style: chr15-92972350-T-G. GRCh37 (hg19) VCF-style: chr15-93515580-T-G.
Other names: short protein forms F813C.
Identifiers: ClinVar variation 847136 (VCV000847136.1), dbSNP rs2053851669, ClinGen allele CA393893301.